The following is an entry in ClinVar:

ClinVar aggregate classification (germline): Uncertain significance (1 of 4 stars; one submission).

Conditions:
Inborn genetic diseases. Identifiers: MedGen C0950123, MeSH D030342.

Submission:

Ambry Genetics
Classification: Uncertain significance for Inborn genetic diseases. Last evaluated: 2026-09-11. Review status: criteria provided, single submitter. Criteria: Ambry Variant Classification Scheme 2023. Collection method: clinical testing. Allele origin: germline.
Comment: The c.105-3C>T intronic variant results from a C to T substitution 3 nucleotides upstream from coding exon 2 in the MBD4 gene. This nucleotide position is well conserved in available vertebrate species. In silico splice site analysis predicts that this alteration will not have any significant effect on splicing. Based on the available evidence, the clinical significance of this variant remains unclear.

NM_001276270.2(MBD4):c.105-3C>T

Gene: MBD4 (methyl-CpG binding domain 4, DNA glycosylase; minus strand). Cytogenetic location: 3q21.3.
Variant type: single nucleotide variant.
Coding change: c.105-3C>T on transcript NM_001276270.2 (MANE Select); 3 bases into the intron before coding-DNA position 105, C replaced by T.
Molecular consequence: intron variant.
Genome position (GRCh38, 1-based): chr3:129,437,953, G>A on the plus strand (C>T on the coding strand, the complement: MBD4 is on the minus strand). VCF-style: chr3-129437953-G-A. GRCh37 (hg19) VCF-style: chr3-129156796-G-A.
Other names: c.105-3C>T (NM_001276273.2, NM_001276272.2, NM_003925.3 and 1 more transcripts).
Identifiers: ClinVar variation 5024053 (VCV005024053.1).